The following is an entry in ClinVar:

ClinVar aggregate classification (germline): Likely benign (0 of 4 stars; one submission).

Conditions:
ACACB-related disorder. Also called: ACACB-related condition.

Allele frequency attached by ClinVar (database versions not stated): ExAC 0.00008; ESP Exome Variant Server 0.00008; gnomAD exomes 0.00008; gnomAD 0.00010; TOPMed 0.00013.
gnomAD v4.1: 126 of 1,612,212 alleles (0.0078%); highest among the groups gnomAD compares: African/African-American, 0.031%; 1 homozygote.

Submission:

PreventionGenetics, part of Exact Sciences
Classification: Likely benign for ACACB-related condition. Last evaluated: 2019-03-20. Review status: no assertion criteria provided. Collection method: clinical testing. Allele origin: germline.
Comment: This variant is classified as likely benign based on ACMG/AMP sequence variant interpretation guidelines (Richards et al. 2015 PMID: 25741868, with internal and published modifications).

NM_001093.4(ACACB):c.3162C>T (p.Pro1054=)

Gene: ACACB (acetyl-CoA carboxylase beta; plus strand). Cytogenetic location: 12q24.11.
Variant type: single nucleotide variant.
Coding change: c.3162C>T on transcript NM_001093.4 (MANE Select); coding-DNA position 3162, C replaced by T.
Protein change: p.Pro1054=; no amino-acid change (proline 1054 retained).
Molecular consequence: synonymous variant. On other transcripts: intron variant (1).
Genome position (GRCh38, 1-based): chr12:109,209,266, C>T. VCF-style: chr12-109209266-C-T. GRCh37 (hg19) VCF-style: chr12-109647071-C-T.
Other names: c.3162C>T, p.Pro1054= (NM_001412734.1, NM_001412735.1); c.2556C>T, p.Pro852= (NM_001412736.1, NM_001412739.1, NM_001412741.1); c.2535C>T, p.Pro845= (NM_001412737.1); c.2454+2410C>T (NM_001412738.1).
Identifiers: ClinVar variation 3057955 (VCV003057955.2), dbSNP rs368916430, ClinGen allele CA6773900.